The following is an entry in ClinVar:

NM_006236.3(POU3F3):c.150C>T (p.Gly50=)

Gene: POU3F3 (POU class 3 homeobox 3; plus strand). Cytogenetic location: 2q12.1.
Variant type: single nucleotide variant.
Coding change: c.150C>T on transcript NM_006236.3 (MANE Select); coding-DNA position 150, C replaced by T.
Protein change: p.Gly50=; no amino-acid change (glycine 50 retained).
Molecular consequence: synonymous variant.
Genome position (GRCh38, 1-based): chr2:104,855,660, C>T. VCF-style: chr2-104855660-C-T. GRCh37 (hg19) VCF-style: chr2-105472118-C-T.
Other names: c.150C>T, p.Gly50= (NM_001433704.1).
Identifiers: ClinVar variation 4874842 (VCV004874842.2).

ClinVar aggregate classification (germline): Likely benign (1 of 4 stars; one submission).

gnomAD v4.1: 5 of 1,040,804 alleles (0.00048%); highest among the groups gnomAD compares: Non-Finnish European, 0.00058%; no homozygotes.

Submission:

CeGaT Center for Human Genetics Tuebingen
Classification: Likely benign. Last evaluated: 2026-05-01. Review status: criteria provided, single submitter. Criteria: CeGaT Center For Human Genetics Tuebingen Variant Classification Criteria Version 2. Collection method: clinical testing. Allele origin: germline. Affected: yes. Observed: 1 variant allele.
Comment: POU3F3: BP4, BP7